The following is an entry in ClinVar:

NM_177438.3(DICER1):c.573G>A (p.Lys191=)

Gene: DICER1 (dicer 1, ribonuclease III; minus strand). Cytogenetic location: 14q32.13.
Variant type: single nucleotide variant.
Coding change: c.573G>A on transcript NM_177438.3 (MANE Select); coding-DNA position 573, G replaced by A.
Protein change: p.Lys191=; no amino-acid change (lysine 191 retained).
Molecular consequence: synonymous variant.
Genome position (GRCh38, 1-based): chr14:95,130,058, C>T on the plus strand (G>A on the coding strand, the complement: DICER1 is on the minus strand). VCF-style: chr14-95130058-C-T. GRCh37 (hg19) VCF-style: chr14-95596395-C-T.
Other names: c.573G>A, p.Lys191= (NM_001195573.1, NM_001271282.3, NM_001291628.2 and 1 more transcripts).
Identifiers: ClinVar variation 1407661 (VCV001407661.9), dbSNP rs1566811476, ClinGen allele CA487633882.

ClinVar aggregate classification (germline): Conflicting classifications of pathogenicity. Review status: criteria provided, conflicting classifications (1 of 4 stars). 2 submissions from 2 submitters: Uncertain significance (1); Likely benign (1). Last evaluated 2024-10-13.

Conditions:
Hereditary cancer-predisposing syndrome. Also called: Neoplastic Syndromes, Hereditary; Hereditary neoplastic syndrome; Hereditary Cancer Syndrome; Tumor predisposition. Identifiers: Orphanet 140162, MedGen C0027672, MeSH D009386, MONDO:0015356.
DICER1-related tumor predisposition. Also called: DICER1 syndrome; DICER1-related pleuropulmonary blastoma cancer predisposition syndrome. Identifiers: Orphanet 284343, MedGen C3839822, MONDO:0100216.

Allele frequency attached by ClinVar (database versions not stated): gnomAD exomes below 0.00001.
gnomAD v4.1: 5 of 1,612,714 alleles (0.00031%); highest among the groups gnomAD compares: Non-Finnish European, 0.00034%; no homozygotes.

Submissions (2):

Labcorp Genetics (formerly Invitae), Labcorp
Classification: Uncertain significance for DICER1-related tumor predisposition. Last evaluated: 2024-10-13. Review status: criteria provided, single submitter. Criteria: Invitae Variant Classification Sherloc (09022015). Collection method: clinical testing. Allele origin: germline.
Comment: This sequence change affects codon 191 of the DICER1 mRNA. It is a 'silent' change, meaning that it does not change the encoded amino acid sequence of the DICER1 protein. This variant also falls at the last nucleotide of exon 5, which is part of the consensus splice site for this exon. This variant is not present in population databases (gnomAD no frequency). This variant has not been reported in the literature in individuals affected with DICER1-related conditions. ClinVar contains an entry for this variant (Variation ID: 1407661). Variants that disrupt the consensus splice site are a relatively common cause of aberrant splicing (PMID: 17576681, 9536098). Algorithms developed to predict the effect of sequence changes on RNA splicing suggest that this variant is not likely to affect RNA splicing. In summary, the available evidence is currently insufficient to determine the role of this variant in disease. Therefore, it has been classified as a Variant of Uncertain Significance.

Ambry Genetics
Classification: Likely benign for Hereditary cancer-predisposing syndrome. Last evaluated: 2023-10-27. Review status: criteria provided, single submitter. Criteria: Ambry Variant Classification Scheme 2023. Collection method: clinical testing. Allele origin: germline.

Literature cited by the submitters: PubMed 17576681 (cited by Labcorp Genetics (formerly Invitae), Labcorp); PubMed 9536098 (cited by Labcorp Genetics (formerly Invitae), Labcorp).